The following is an entry in ClinVar:

ClinVar aggregate classification (germline): Uncertain significance (1 of 4 stars; one submission).

Conditions:
Epileptic encephalopathy. Identifiers: MedGen C0543888, HP:0200134.

Submission:

Labcorp Genetics (formerly Invitae), Labcorp
Classification: Uncertain significance for Epileptic encephalopathy. Last evaluated: 2022-10-10. Review status: criteria provided, single submitter. Criteria: Invitae Variant Classification Sherloc (09022015). Collection method: clinical testing. Allele origin: germline.
Comment: This sequence change replaces alanine, which is neutral and non-polar, with proline, which is neutral and non-polar, at codon 415 of the FASN protein (p.Ala415Pro). This variant is present in population databases (rs376821046, gnomAD 0.003%). This variant has not been reported in the literature in individuals affected with FASN-related conditions. Algorithms developed to predict the effect of missense changes on protein structure and function (SIFT, PolyPhen-2, Align-GVGD) all suggest that this variant is likely to be tolerated. In summary, the available evidence is currently insufficient to determine the role of this variant in disease. Therefore, it has been classified as a Variant of Uncertain Significance.

NM_004104.5(FASN):c.1243G>C (p.Ala415Pro)

Gene: FASN (fatty acid synthase; minus strand). Cytogenetic location: 17q25.3.
Variant type: single nucleotide variant.
Coding change: c.1243G>C on transcript NM_004104.5 (MANE Select); coding-DNA position 1243, G replaced by C.
Protein change: p.Ala415Pro; replaces alanine 415 with proline.
Molecular consequence: missense variant.
Genome position (GRCh38, 1-based): chr17:82,091,471, C>G on the plus strand (G>C on the coding strand, the complement: FASN is on the minus strand). VCF-style: chr17-82091471-C-G. GRCh37 (hg19) VCF-style: chr17-80049347-C-G.
Other names: short protein forms A415P.
Identifiers: ClinVar variation 2097379 (VCV002097379.4), dbSNP rs376821046, ClinGen allele CA8853216.